The following is an entry in ClinVar:

ClinVar aggregate classification (germline): Uncertain significance (1 of 4 stars; one submission).

Allele frequency attached by ClinVar (database versions not stated): gnomAD exomes 0.00001 and below 0.00001; gnomAD 0.00002 and 0.00003; TOPMed 0.00002.
gnomAD v4.1: 11 of 1,600,468 alleles (0.00069%); highest among the groups gnomAD compares: Non-Finnish European, 0.00085%; no homozygotes.

Submission:

GeneDx
Classification: Uncertain significance. Last evaluated: 2023-03-15. Review status: criteria provided, single submitter. Criteria: GeneDx Variant Classification Process June 2021. Collection method: clinical testing. Allele origin: germline. Affected: yes.
Comment: In silico analysis supports that this missense variant does not alter protein structure/function; Has not been previously published as pathogenic or benign to our knowledge; Variants in candidate genes are classified as variants of uncertain significance in accordance with ACMG guidelines (Richards et al., 2015)

NM_201596.3(CACNB2):c.53C>T (p.Ala18Val)

Gene: CACNB2 (calcium voltage-gated channel auxiliary subunit beta 2; plus strand). Cytogenetic location: 10p12.33.
Variant type: single nucleotide variant.
Coding change: c.53C>T on transcript NM_201596.3 (MANE Select); coding-DNA position 53, C replaced by T.
Protein change: p.Ala18Val; replaces alanine 18 with valine.
Molecular consequence: missense variant. On other transcripts: 5 prime UTR variant (3).
Genome position (GRCh38, 1-based): chr10:18,140,789, C>T. VCF-style: chr10-18140789-C-T. GRCh37 (hg19) VCF-style: chr10-18429718-C-T.
Other names: p.A18V:GCG>GTG; c.-391C>T (NM_001167945.2, NM_201571.4, NM_201572.4); c.53C>T, p.Ala18Val (NM_201593.3, NM_201597.3); short protein forms A18V.
Identifiers: ClinVar variation 190738 (VCV000190738.5), dbSNP rs786205788, ClinGen allele CA301887.